The following is an entry in ClinVar:

NM_003803.4(MYOM1):c.1232T>C (p.Phe411Ser)

Gene: MYOM1 (myomesin 1; minus strand). Cytogenetic location: 18p11.31.
Variant type: single nucleotide variant.
Coding change: c.1232T>C on transcript NM_003803.4 (MANE Select); coding-DNA position 1232, T replaced by C.
Protein change: p.Phe411Ser; replaces phenylalanine 411 with serine.
Molecular consequence: missense variant.
Genome position (GRCh38, 1-based): chr18:3,168,924, A>G on the plus strand (T>C on the coding strand, the complement: MYOM1 is on the minus strand). VCF-style: chr18-3168924-A-G. GRCh37 (hg19) VCF-style: chr18-3168922-A-G.
Other names: c.1232T>C, p.Phe411Ser (NM_019856.2); short protein forms F411S.
Identifiers: ClinVar variation 3298047 (VCV003298047.1).

ClinVar aggregate classification (germline): Uncertain significance (1 of 4 stars; one submission).

gnomAD v4.1: 10 of 1,613,840 alleles (0.00062%); highest among the groups gnomAD compares: Non-Finnish European, 0.00076%; no homozygotes.

Submission:

Ambry Genetics
Classification: Uncertain significance. Last evaluated: 2024-06-16. Review status: criteria provided, single submitter. Criteria: Ambry Variant Classification Scheme 2023. Collection method: clinical testing. Allele origin: germline.
Comment: The p.F411S variant (also known as c.1232T>C), located in coding exon 8 of the MYOM1 gene, results from a T to C substitution at nucleotide position 1232. The phenylalanine at codon 411 is replaced by serine, an amino acid with highly dissimilar properties. This amino acid position is conserved. In addition, this alteration is predicted to be deleterious by in silico analysis. Based on the available evidence, the clinical significance of this variant remains unclear.